The following is an entry in ClinVar:

ClinVar aggregate classification (germline): Uncertain significance (1 of 4 stars; one submission).

Conditions:
Muscular dystrophy-dystroglycanopathy (congenital with brain and eye anomalies), type A13. Also called: WALKER-WARBURG SYNDROME OR MUSCLE-EYE-BRAIN DISEASE, B3GNT1-RELATED; Muscular dystrophy-dystroglycanopathy (congenital with brain and eye anomalies), type a, 13. Identifiers: Orphanet 899, MedGen C3809042, MONDO:0014120, OMIM 615287.

Submission:

Labcorp Genetics (formerly Invitae), Labcorp
Classification: Uncertain significance for Muscular dystrophy-dystroglycanopathy (congenital with brain and eye anomalies), type A13. Last evaluated: 2022-06-07. Review status: criteria provided, single submitter. Criteria: Invitae Variant Classification Sherloc (09022015). Collection method: clinical testing. Allele origin: germline.
Comment: A copy number gain of the genomic region encompassing the full coding sequence of the B4GAT1 gene has been identified. The boundaries of this event are unknown as they extend beyond the assayed region for this gene and therefore may encompass additional genes. As the precise location of this event is unknown, it may be in tandem or it may be located elsewhere in the genome. Isolated whole-gene copy number gains of B4GAT1 have not been reported in the literature. However, larger copy number events that include this gene have been reported (PMID: 22219654). In summary, the available evidence is currently insufficient to determine the role of this variant in disease. Therefore, it has been classified as a Variant of Uncertain Significance.

Literature cited by the submitters: PubMed 22219654.

NC_000011.9:g.(?_66099747)_(66291373_?)dup

Genes: B4GAT1 (beta-1,4-glucuronyltransferase 1; minus strand), BBS1 (Bardet-Biedl syndrome 1; plus strand), BRMS1 (BRMS1 transcriptional repressor and anoikis regulator; minus strand), DPP3 (dipeptidyl peptidase 3; plus strand), MRPL11 (mitochondrial ribosomal protein L11; minus strand) and 4 more. Cytogenetic location: 11q13.2.
Variant type: Duplication.
Identifiers: ClinVar variation 2425650 (VCV002425650.3).